The following is an entry in ClinVar:

ClinVar aggregate classification (germline): Conflicting classifications of pathogenicity. Review status: criteria provided, conflicting classifications (1 of 4 stars). 3 submissions from 3 submitters: Uncertain significance (2); Likely benign (1). Last evaluated 2025-10-25.

Conditions:
Myoclonic dystonia 26. Identifiers: MedGen C4225341, MONDO:0014620, OMIM 616398.
Inborn genetic diseases. Identifiers: MedGen C0950123, MeSH D030342.

Allele frequency attached by ClinVar (database versions not stated): ExAC 0.00003; gnomAD 0.00003; TOPMed 0.00003; 1000 Genomes Project 30x 0.00016; 1000 Genomes Project 0.00020.
gnomAD v4.1: 25 of 1,611,890 alleles (0.0016%); highest among the groups gnomAD compares: Middle Eastern, 0.05%; no homozygotes.

Submissions (3):

Ambry Genetics
Classification: Uncertain significance for Inborn genetic diseases. Last evaluated: 2025-10-25. Review status: criteria provided, single submitter. Criteria: Ambry Variant Classification Scheme 2023. Collection method: clinical testing. Allele origin: germline.

Labcorp Genetics (formerly Invitae), Labcorp
Classification: Uncertain significance for Myoclonic dystonia 26. Last evaluated: 2024-06-25. Review status: criteria provided, single submitter. Criteria: Invitae Variant Classification Sherloc (09022015). Collection method: clinical testing. Allele origin: germline.
Comment: This sequence change replaces glycine, which is neutral and non-polar, with arginine, which is basic and polar, at codon 201 of the KCTD17 protein (p.Gly201Arg). This variant is present in population databases (rs557230272, gnomAD 0.008%). This variant has not been reported in the literature in individuals affected with KCTD17-related conditions. ClinVar contains an entry for this variant (Variation ID: 1924264). Advanced modeling of protein sequence and biophysical properties (such as structural, functional, and spatial information, amino acid conservation, physicochemical variation, residue mobility, and thermodynamic stability) performed at Invitae indicates that this missense variant is not expected to disrupt KCTD17 protein function with a negative predictive value of 80%. In summary, the available evidence is currently insufficient to determine the role of this variant in disease. Therefore, it has been classified as a Variant of Uncertain Significance.

CeGaT Center for Human Genetics Tuebingen
Classification: Likely benign. Last evaluated: 2023-03-01. Review status: criteria provided, single submitter. Criteria: CeGaT Center For Human Genetics Tuebingen Variant Classification Criteria Version 2. Collection method: clinical testing. Allele origin: germline. Affected: yes. Observed: 1 variant allele.
Comment: KCTD17: BP4

NM_001282684.2(KCTD17):c.580G>A (p.Gly194Arg)

Gene: KCTD17 (potassium channel tetramerization domain containing 17; plus strand). Cytogenetic location: 22q12.3.
Variant type: single nucleotide variant.
Coding change: c.580G>A on transcript NM_001282684.2 (MANE Select); coding-DNA position 580, G replaced by A.
Protein change: p.Gly194Arg; replaces glycine 194 with arginine.
Molecular consequence: missense variant.
Genome position (GRCh38, 1-based): chr22:37,059,406, G>A. VCF-style: chr22-37059406-G-A. GRCh37 (hg19) VCF-style: chr22-37455446-G-A.
Other names: c.601G>A (NM_024681.2); c.580G>A, p.Gly194Arg (NM_001282685.2, NM_001282686.2, NM_024681.4); short protein forms G194R.
Identifiers: ClinVar variation 1924264 (VCV001924264.33), dbSNP rs557230272, ClinGen allele CA10215084.